The following is an entry in ClinVar:

ClinVar aggregate classification (germline): Uncertain significance (1 of 4 stars; one submission).

Submission:

CeGaT Center for Human Genetics Tuebingen
Classification: Uncertain significance. Last evaluated: 2026-08-01. Review status: criteria provided, single submitter. Criteria: CeGaT Center For Human Genetics Tuebingen Variant Classification Criteria Version 2. Collection method: clinical testing. Allele origin: germline. Affected: yes. Observed: 1 variant allele.
Comment: MID2: PM2

NM_012216.4(MID2):c.1714T>C (p.Phe572Leu)

Genes: MID2 (midline 2; plus strand), LOC101928335 (uncharacterized LOC101928335; minus strand). Cytogenetic location: Xq22.3.
Variant type: single nucleotide variant.
Coding change: c.1714T>C on transcript NM_012216.4 (MANE Select); coding-DNA position 1714, T replaced by C.
Protein change: p.Phe572Leu; replaces phenylalanine 572 with leucine.
Molecular consequence: missense variant.
Genome position (GRCh38, 1-based): chrX:107,926,210, T>C. VCF-style: chrX-107926210-T-C. GRCh37 (hg19) VCF-style: chrX-107169440-T-C.
Other names: c.1654T>C, p.Phe552Leu (NM_001382751.1); c.1564T>C, p.Phe522Leu (NM_001382752.1); c.1624T>C, p.Phe542Leu (NM_052817.3); short protein forms F522L, F542L, F552L, F572L.
Identifiers: ClinVar variation 5039883 (VCV005039883.1).